The following is an entry in ClinVar:

NM_002474.3(MYH11):c.5865G>A (p.Glu1955=)

Genes: MYH11 (myosin heavy chain 11; minus strand), NDE1 (nudE neurodevelopment protein 1; plus strand). Cytogenetic location: 16p13.11.
Variant type: single nucleotide variant.
Coding change: c.5865G>A on transcript NM_002474.3 (MANE Select); coding-DNA position 5865, G replaced by A.
Protein change: p.Glu1955=; no amino-acid change (glutamic acid 1955 retained).
Molecular consequence: synonymous variant. On other transcripts: 3 prime UTR variant (2), intron variant (2).
Genome position (GRCh38, 1-based): chr16:15,704,045, C>T on the plus strand (G>A on the coding strand, the complement: MYH11 is on the minus strand). VCF-style: chr16-15704045-C-T. GRCh37 (hg19) VCF-style: chr16-15797902-C-T.
Other names: c.*87G>A (NM_001040113.2, NM_022844.3); c.5886G>A, p.Glu1962= (NM_001040114.2); c.947+7185C>T (NM_001143979.2, NM_017668.3).
Identifiers: ClinVar variation 1750163 (VCV001750163.4), dbSNP rs1453794285, ClinGen allele CA394843672.

ClinVar aggregate classification (germline): Likely benign. Review status: criteria provided, single submitter (1 of 4 stars). 2 submissions from 2 submitters: Likely benign (1). 1 of the submissions does not count toward it. Last evaluated 2019-06-06.

Conditions:
MYH11-related disorder. Also called: MYH11-related condition.
Familial thoracic aortic aneurysm and aortic dissection (TAAD). Also called: Thoracic aortic aneurysms and dissections. Identifiers: Orphanet 91387, MedGen C4707243, MONDO:0019625.

Allele frequency attached by ClinVar (database versions not stated): gnomAD exomes below 0.00001; gnomAD 0.00001; TOPMed 0.00002.
gnomAD v4.1: 4 of 1,614,002 alleles (0.00025%); highest among the groups gnomAD compares: African/African-American, 0.0013%; no homozygotes.

Submissions (2):

Ambry Genetics
Classification: Likely benign for Familial thoracic aortic aneurysm and aortic dissection. Last evaluated: 2019-06-06. Review status: criteria provided, single submitter. Criteria: Ambry Variant Classification Scheme 2023. Collection method: clinical testing. Allele origin: germline.

PreventionGenetics, part of Exact Sciences
Classification: Likely benign for MYH11-related condition. Last evaluated: 2022-01-04. Review status: no assertion criteria provided. Collection method: clinical testing. Allele origin: germline. Not counted in ClinVar's aggregate classification.
Comment: This variant is classified as likely benign based on ACMG/AMP sequence variant interpretation guidelines (Richards et al. 2015 PMID: 25741868, with internal and published modifications).